The following is an entry in ClinVar:

ClinVar aggregate classification (germline): Likely benign (1 of 4 stars; one submission).

Conditions:
IRF6-related condition. Also called: IRF6-Related Disorders; IRF6-related disorder. Identifiers: MedGen CN378148, MONDO:1040010.

gnomAD v4.1: 120 of 1,613,908 alleles (0.0074%); highest among the groups gnomAD compares: Non-Finnish European, 0.0099%; no homozygotes.

Submission:

PreventionGenetics, part of Exact Sciences
Classification: Likely benign for IRF6-related condition. Last evaluated: 2025-06-20. Review status: criteria provided, single submitter. Criteria: ACMG Guidelines, 2015. Collection method: clinical testing. Allele origin: germline.
Comment: This variant is classified as likely benign based on ACMG/AMP sequence variant interpretation guidelines (Richards et al. 2015 PMID: 25741868, with internal and published modifications).

NM_006147.4(IRF6):c.1359G>A (p.Gln453=)

Gene: IRF6 (interferon regulatory factor 6; minus strand). Cytogenetic location: 1q32.2.
Variant type: single nucleotide variant.
Coding change: c.1359G>A on transcript NM_006147.4 (MANE Select); coding-DNA position 1359, G replaced by A.
Protein change: p.Gln453=; no amino-acid change (glutamine 453 retained).
Molecular consequence: synonymous variant.
Genome position (GRCh38, 1-based): chr1:209,788,465, C>T on the plus strand (G>A on the coding strand, the complement: IRF6 is on the minus strand). VCF-style: chr1-209788465-C-T. GRCh37 (hg19) VCF-style: chr1-209961810-C-T.
Other names: c.1074G>A, p.Gln358= (NM_001206696.2).
Identifiers: ClinVar variation 4984639 (VCV004984639.1).